The following is an entry in ClinVar:

NM_001184900.3(CARD8):c.282G>C (p.Glu94Asp)

Gene: CARD8 (caspase recruitment domain family member 8; minus strand). Cytogenetic location: 19q13.33.
Variant type: single nucleotide variant.
Coding change: c.282G>C on transcript NM_001184900.3 (MANE Select); coding-DNA position 282, G replaced by C.
Protein change: p.Glu94Asp; replaces glutamic acid 94 with aspartic acid.
Molecular consequence: missense variant. On other transcripts: 5 prime UTR variant (1), non-coding transcript variant (4).
Genome position (GRCh38, 1-based): chr19:48,234,471, C>G on the plus strand (G>C on the coding strand, the complement: CARD8 is on the minus strand). VCF-style: chr19-48234471-C-G. GRCh37 (hg19) VCF-style: chr19-48737728-C-G.
Other names: c.132G>C, p.Glu44Asp (NM_001184901.1, NM_001351783.2, NM_001351788.2 and 2 more transcripts); c.282G>C, p.Glu94Asp (NM_001184902.2, NM_001184903.1, NM_001351782.2); c.8G>C, p.Arg3Thr (NM_001351784.2, NM_001351787.2, NM_001351791.2 and 2 more transcripts); c.-207G>C (NM_001351786.2); c.80G>C, p.Arg27Thr (NM_001351790.2); c.-500G>C (NM_001426741.1); short protein forms E94D, R27T, R3T, E44D.
Identifiers: ClinVar variation 2799434 (VCV002799434.3), dbSNP rs1287372669, ClinGen allele CA406646985.
Genomic context (GRCh38, chr19:48,234,471, plus strand): 5'-GTCCCCCCCAGATAGTTGACACTCAGGAACAGCACGGAACAATAATGGCTCTGCCTCTGT[C>G]TCATCATCTTCTTGGAAAAAATGTGAGATGTCACAAAGGGTCTCAGAAACACAGGGTAGC-3'
Protein context (NP_001171829.1, residues 84-104): DISHFFQEDD[Glu94Asp]TEAEPLLFRA

ClinVar aggregate classification (germline): Uncertain significance (1 of 4 stars; one submission).

Allele frequency attached by ClinVar (database versions not stated): gnomAD exomes below 0.00001; TOPMed 0.00001.
gnomAD v4.1: 1 of 1,613,958 alleles (0.000062%); highest among the groups gnomAD compares: Non-Finnish European, 0.000085%; no homozygotes.

Submission:

Labcorp Genetics (formerly Invitae), Labcorp
Classification: Uncertain significance. Last evaluated: 2025-11-17. Review status: criteria provided, single submitter. Criteria: Invitae Variant Classification Sherloc (09022015). Collection method: clinical testing. Allele origin: germline.
Comment: This sequence change replaces glutamic acid, which is acidic and polar, with aspartic acid, which is acidic and polar, at codon 44 of the CARD8 protein (p.Glu44Asp). This variant is present in population databases (no rsID available, gnomAD 0.0009%). This variant has not been reported in the literature in individuals affected with CARD8-related conditions. ClinVar contains an entry for this variant (Variation ID: 2799434). An algorithm developed to predict the effect of missense changes on protein structure and function (PolyPhen-2) suggests that this variant is likely to be tolerated. In summary, the available evidence is currently insufficient to determine the role of this variant in disease. Therefore, it has been classified as a Variant of Uncertain Significance.